The following is an entry in ClinVar:

NM_001365693.1(MGAM):c.1361C>T (p.Ala454Val)

Gene: MGAM (maltase-glucoamylase; plus strand). Cytogenetic location: 7q34.
Variant type: single nucleotide variant.
Coding change: c.1361C>T on transcript NM_001365693.1 (MANE Select); coding-DNA position 1361, C replaced by T.
Protein change: p.Ala454Val; replaces alanine 454 with valine.
Molecular consequence: missense variant.
Genome position (GRCh38, 1-based): chr7:142,030,648, C>T. VCF-style: chr7-142030648-C-T. GRCh37 (hg19) VCF-style: chr7-141730448-C-T.
Other names: c.1361C>T, p.Ala454Val (NM_004668.3); short protein forms A454V.
Identifiers: ClinVar variation 3872695 (VCV003872695.2).
Genomic context (GRCh38, chr7:142,030,648, plus strand): 5'-TCAGTGCCTCCGGTTTCCAGCTAGTTTGTTCATTGTATTCTTCCTATTTTTAGGATCCAG[C>T]CATCTCCAACAACTCTTCCTCAAGTAAACCCTATGGCCCATATGACAGGGGTTCAGATAT-3'
Protein context (NP_001352622.1, residues 444-464): GQKLVIIVDP[Ala454Val]ISNNSSSSKP

ClinVar aggregate classification (germline): Uncertain significance. Review status: criteria provided, multiple submitters, no conflicts (2 of 4 stars). 2 submissions from 2 submitters: Uncertain significance (2). Last evaluated 2026-03-05.

Conditions:
MGAM-related disorder. Also called: MGAM-related condition.

gnomAD v4.1: 3 of 1,611,396 alleles (0.00019%); highest among the groups gnomAD compares: African/African-American, 0.0027%; no homozygotes.

Submissions (2):

PreventionGenetics, part of Exact Sciences
Classification: Uncertain significance for MGAM-related condition. Last evaluated: 2026-03-05. Review status: criteria provided, single submitter. Criteria: ACMG Guidelines, 2015. Collection method: clinical testing. Allele origin: germline.
Comment: The MGAM c.1361C>T variant is predicted to result in the amino acid substitution p.Ala454Val. To our knowledge, this variant has not been reported in the literature or in a large population database (gnomAD), indicating this variant is rare. At this time, the clinical significance of this variant is uncertain due to the absence of conclusive functional and genetic evidence.

Ambry Genetics
Classification: Uncertain significance. Last evaluated: 2025-01-07. Review status: criteria provided, single submitter. Criteria: Ambry Variant Classification Scheme 2023. Collection method: clinical testing. Allele origin: germline.